The following is an entry in ClinVar:

NM_000321.3(RB1):c.1672A>C (p.Met558Leu)

Gene: RB1 (RB transcriptional corepressor 1; plus strand). Cytogenetic location: 13q14.2.
Variant type: single nucleotide variant.
Coding change: c.1672A>C on transcript NM_000321.3 (MANE Select); coding-DNA position 1672, A replaced by C.
Protein change: p.Met558Leu; replaces methionine 558 with leucine.
Molecular consequence: missense variant.
Genome position (GRCh38, 1-based): chr13:48,381,420, A>C. VCF-style: chr13-48381420-A-C. GRCh37 (hg19) VCF-style: chr13-48955556-A-C.
Other names: short protein forms M558L.
Identifiers: ClinVar variation 458134 (VCV000458134.13), dbSNP rs1419550675, ClinGen allele CA388164012.

ClinVar aggregate classification (germline): Uncertain significance. Review status: criteria provided, multiple submitters, no conflicts (2 of 4 stars). 3 submissions from 3 submitters: Uncertain significance (3). Last evaluated 2026-07-03.

Conditions:
Retinoblastoma (RB1). Also called: RETINOBLASTOMA, SOMATIC. Identifiers: Orphanet 790, MedGen C0035335, MeSH D012175, MONDO:0008380, OMIM 180200, HP:0009919. Disease mechanism: loss of function. Inheritance: Both sporadic and heritable forms are tested..
Malignant tumor of urinary bladder. Also called: Urinary bladder cancer; Bladder cancer; Urinary Bladder Neoplasms. Identifiers: MedGen C0005684, MONDO:0001187, OMIM 109800.
Hereditary cancer-predisposing syndrome. Also called: Neoplastic Syndromes, Hereditary; Hereditary neoplastic syndrome; Hereditary Cancer Syndrome; Tumor predisposition. Identifiers: Orphanet 140162, MedGen C0027672, MeSH D009386, MONDO:0015356.

Submissions (3):

Ambry Genetics
Classification: Uncertain significance for Hereditary cancer-predisposing syndrome. Last evaluated: 2026-07-03. Review status: criteria provided, single submitter. Criteria: Ambry Variant Classification Scheme 2023. Collection method: clinical testing. Allele origin: germline.

Labcorp Genetics (formerly Invitae), Labcorp
Classification: Uncertain significance for Retinoblastoma. Last evaluated: 2023-11-17. Review status: criteria provided, single submitter. Criteria: Invitae Variant Classification Sherloc (09022015). Collection method: clinical testing. Allele origin: germline.
Comment: This sequence change replaces methionine, which is neutral and non-polar, with leucine, which is neutral and non-polar, at codon 558 of the RB1 protein (p.Met558Leu). This variant is not present in population databases (gnomAD no frequency). This variant has not been reported in the literature in individuals affected with RB1-related conditions. ClinVar contains an entry for this variant (Variation ID: 458134). Advanced modeling of protein sequence and biophysical properties (such as structural, functional, and spatial information, amino acid conservation, physicochemical variation, residue mobility, and thermodynamic stability) performed at Invitae indicates that this missense variant is not expected to disrupt RB1 protein function with a negative predictive value of 80%. In summary, the available evidence is currently insufficient to determine the role of this variant in disease. Therefore, it has been classified as a Variant of Uncertain Significance.

Baylor Genetics
Classification: Uncertain significance for Malignant tumor of urinary bladder. Last evaluated: 2023-08-04. Review status: criteria provided, single submitter. Criteria: ACMG Guidelines, 2015. Collection method: clinical testing. Allele origin: unknown.